The following is an entry in ClinVar:

ClinVar aggregate classification (germline): Conflicting classifications of pathogenicity. Review status: criteria provided, conflicting classifications (1 of 4 stars). 3 submissions from 2 submitters: Uncertain significance (2); Benign (1). Last evaluated 2018-01-13.

Conditions:
Familial hyperinsulinism. Also called: Congenital hyperinsulinism. Identifiers: Orphanet 276525, MedGen C3888018, MONDO:0017182. Disease mechanism: loss of function.
Maturity-onset diabetes of the young type 1. Also called: MILD JUVENILE DIABETES MELLITUS; MODY, type I; MODY type 1; Diabetes mellitus MODY type 1; MODY HNF4A related; HNF4A-Related Maturity-Onset Diabetes of the Young Type 1. Identifiers: Orphanet 552, MedGen C1852093, MONDO:0007452, OMIM 125850. Disease mechanism: loss of function.
Maturity-onset diabetes of the young (MODY). Also called: Maturity onset diabetes mellitus in young. Identifiers: Orphanet 552, MedGen C0342276, MONDO:0018911, HP:0004904.

Allele frequency attached by ClinVar (database versions not stated): TOPMed 0.00006; gnomAD 0.00008.

Submissions (3):

Illumina Laboratory Services, Illumina
Classification: Uncertain significance for Maturity-onset diabetes of the young type 1. Last evaluated: 2018-01-13. Review status: criteria provided, single submitter. Criteria: ICSL Variant Classification Criteria 13 December 2019. Collection method: clinical testing. Allele origin: germline.

Illumina Laboratory Services, Illumina
Classification: Uncertain significance for Familial hyperinsulinism. Last evaluated: 2018-01-13. Review status: criteria provided, single submitter. Criteria: ICSL Variant Classification Criteria 13 December 2019. Collection method: clinical testing. Allele origin: germline.

Clinical Genomics, Uppaluri K&H Personalized Medicine Clinic
Classification: Benign for Maturity-onset diabetes of the young. Review status: criteria provided, single submitter. Criteria: K & H Uppaluri Personalized Medicine Clinic Variant Classification & Assertion Criteria_Updated V.1. Collection method: research. Allele origin: unknown. Inheritance: Autosomal dominant inheritance.
Comment: Potent mutations in HNF4A are associated with poor insulin secretion in response to hyperglycemia. Associated with MODY1. Patients initially respond well to sulfonylureas but eventually become insulin dependent. However, more evidence is required to ascertain the role of this particular variant rs886056685 in MODY, yet.

Literature cited by the submitters: DOI 10.1159/000334532 (cited by Clinical Genomics, Uppaluri K&H Personalized Medicine Clinic); PubMed 18268044 (cited by Clinical Genomics, Uppaluri K&H Personalized Medicine Clinic); PubMed 17563455 (cited by Clinical Genomics, Uppaluri K&H Personalized Medicine Clinic); PubMed 32583173 (cited by Clinical Genomics, Uppaluri K&H Personalized Medicine Clinic); PubMed 35052457 (cited by Clinical Genomics, Uppaluri K&H Personalized Medicine Clinic); PubMed 35118593 (cited by Clinical Genomics, Uppaluri K&H Personalized Medicine Clinic).

NM_175914.5(HNF4A):c.*1616G>A

Gene: HNF4A (hepatocyte nuclear factor 4 alpha; plus strand). Cytogenetic location: 20q13.12.
Variant type: single nucleotide variant.
Coding change: c.*1616G>A on transcript NM_175914.5 (MANE Select); 1616 bases downstream of the stop codon, G replaced by A.
Molecular consequence: 3 prime UTR variant.
Genome position (GRCh38, 1-based): chr20:44,431,281, G>A. VCF-style: chr20-44431281-G-A. GRCh37 (hg19) VCF-style: chr20-43059921-G-A.
Other names: c.*1616G>A (NM_000457.6, NM_001030003.3, NM_001258355.2 and 3 more transcripts).
Identifiers: ClinVar variation 338460 (VCV000338460.6), dbSNP rs886056685, ClinGen allele CA10643904.
Genomic context (GRCh38, chr20:44,431,281, plus strand): 5'-CTCACCGTGATCAAGTTGAGGGGCTTCCGGCTCCCTTCTACAGCCTCAGAAACCAGACTC[G>A]TTCTTCTGGGAACCCTGCCCACTCCCAGGACCAAGATTGGCCTGAGGCTGCACTAAAATT-3'